The following is an entry in ClinVar:

NM_004329.3(BMPR1A):c.676-1G>C

Gene: BMPR1A (bone morphogenetic protein receptor type 1A; plus strand). Cytogenetic location: 10q23.2.
Variant type: single nucleotide variant.
Coding change: c.676-1G>C on transcript NM_004329.3 (MANE Select); the canonical splice acceptor site of the intron before coding-DNA position 676, G replaced by C.
Molecular consequence: splice acceptor variant. On other transcripts: intron variant (1).
Genome position (GRCh38, 1-based): chr10:86,917,133, G>C. VCF-style: chr10-86917133-G-C. GRCh37 (hg19) VCF-style: chr10-88676890-G-C.
Other names: c.676-1G>C (NM_001406562.1, NM_001406568.1, NM_001406567.1 and 19 more transcripts); c.592-1G>C (NM_001406584.1, NM_001406588.1, NM_001406587.1 and 2 more transcripts); c.724-1G>C (NM_001406560.1); c.751-1G>C (NM_001406559.1); c.676-7G>C (NM_001406583.1); c.334-1G>C (NM_001406589.1).
Identifiers: ClinVar variation 826609 (VCV000826609.12), dbSNP rs1554890734, ClinGen allele CA377456799.

ClinVar aggregate classification (germline): Conflicting classifications of pathogenicity. Review status: criteria provided, conflicting classifications (1 of 4 stars). 4 submissions from 4 submitters: Pathogenic (1); Likely pathogenic (2); Uncertain significance (1). Last evaluated 2026-01-29.

Conditions:
Hereditary cancer-predisposing syndrome. Also called: Hereditary neoplastic syndrome; Neoplastic Syndromes, Hereditary; Hereditary Cancer Syndrome; Tumor predisposition. Identifiers: Orphanet 140162, MedGen C0027672, MeSH D009386, MONDO:0015356.
Juvenile polyposis syndrome (JPS). Identifiers: Orphanet 2929, MedGen C0345893, MONDO:0017380, OMIM 174900.

Submissions (4):

Ambry Genetics
Classification: Uncertain significance for Hereditary cancer-predisposing syndrome. Last evaluated: 2026-01-29. Review status: criteria provided, single submitter. Criteria: Ambry Variant Classification Scheme 2023. Collection method: clinical testing. Allele origin: germline.
Comment: The c.676-1G>C intronic variant results from a G to C substitution one nucleotide upstream from coding exon 7 of the BMPR1A gene. In silico splice site analysis predicts that this alteration will weaken the native splice acceptor site and will result in the creation or strengthening of a novel splice acceptor site; however, direct evidence is insufficient at this time (Ambry internal data). Variants that disrupt the canonical splice site are expected to result in aberrant splicing; however, a resulting transcript is predicted to be in-frame and is not expected to trigger nonsense-mediated mRNA decay. This nucleotide position is highly conserved in available vertebrate species. Based on the available evidence, the clinical significance of this variant remains unclear.

3billion
Classification: Pathogenic for Juvenile polyposis syndrome. Last evaluated: 2025-08-21. Review status: criteria provided, single submitter. Criteria: ACMG Guidelines, 2015. Collection method: clinical testing. Allele origin: germline. Affected: yes.
Comment: The variant is not observed in the gnomAD v4.1.0 dataset. Predicted Consequence/Location: Canonical splice site: predicted to alter splicing and result in a loss or disruption of normal protein function. Multiple pathogenic loss-of-function variants are reported downstream of the variant. In silico tools predict the variant to alter splicing and produce an abnormal transcript [SpliceAI: 0.98 (spliceogenicity >=0.2, non-spliceogenicity <0.1)]. The variant has been reported at least twice as pathogenic without evidence for the classification (ClinVar ID: VCV000826609). Therefore, this variant is classified as Pathogenic according to the recommendation of ACMG/AMP guideline.

GeneDx
Classification: Likely pathogenic. Last evaluated: 2025-05-12. Review status: criteria provided, single submitter. Criteria: GeneDx Variant Classification Process June 2021. Collection method: clinical testing. Allele origin: germline. Affected: yes.
Comment: Canonical splice site variant predicted to result in a null allele in a gene for which loss of function is a known mechanism of disease; Not observed at significant frequency in large population cohorts (gnomAD); Has not been previously published as pathogenic or benign to our knowledge

Labcorp Genetics (formerly Invitae), Labcorp
Classification: Likely pathogenic for Juvenile polyposis syndrome. Last evaluated: 2024-07-30. Review status: criteria provided, single submitter. Criteria: Invitae Variant Classification Sherloc (09022015). Collection method: clinical testing. Allele origin: germline.
Comment: This sequence change affects an acceptor splice site in intron 8 of the BMPR1A gene. It is expected to disrupt RNA splicing. Variants that disrupt the donor or acceptor splice site typically lead to a loss of protein function (PMID: 16199547), and loss-of-function variants in BMPR1A are known to be pathogenic (PMID: 11536076, 12417513). This variant is not present in population databases (gnomAD no frequency). This variant has not been reported in the literature in individuals affected with BMPR1A-related conditions. ClinVar contains an entry for this variant (Variation ID: 826609). Algorithms developed to predict the effect of sequence changes on RNA splicing suggest that this variant may disrupt the consensus splice site. In summary, the currently available evidence indicates that the variant is pathogenic, but additional data are needed to prove that conclusively. Therefore, this variant has been classified as Likely Pathogenic.

Literature cited by the submitters: PubMed 16199547 (cited by Labcorp Genetics (formerly Invitae), Labcorp); PubMed 11536076 (cited by Labcorp Genetics (formerly Invitae), Labcorp); PubMed 12417513 (cited by Labcorp Genetics (formerly Invitae), Labcorp).